The following is an entry in ClinVar:

NM_144991.3(TSPEAR):c.799A>G (p.Ile267Val)

Gene: TSPEAR (thrombospondin type laminin G domain and EAR repeats; minus strand). Cytogenetic location: 21q22.3.
Variant type: single nucleotide variant.
Coding change: c.799A>G on transcript NM_144991.3 (MANE Select); coding-DNA position 799, A replaced by G.
Protein change: p.Ile267Val; replaces isoleucine 267 with valine.
Molecular consequence: missense variant.
Genome position (GRCh38, 1-based): chr21:44,528,575, T>C on the plus strand (A>G on the coding strand, the complement: TSPEAR is on the minus strand). VCF-style: chr21-44528575-T-C. GRCh37 (hg19) VCF-style: chr21-45948458-T-C.
Other names: c.595A>G, p.Ile199Val (NM_001272037.2); short protein forms I199V, I267V.
Identifiers: ClinVar variation 4074351 (VCV004074351.1).

ClinVar aggregate classification (germline): Uncertain significance (1 of 4 stars; one submission).

gnomAD v4.1: 30 of 1,613,660 alleles (0.0019%); highest among the groups gnomAD compares: Non-Finnish European, 0.0025%; no homozygotes.

Submission:

GeneDx
Classification: Uncertain significance. Last evaluated: 2025-02-06. Review status: criteria provided, single submitter. Criteria: GeneDx Variant Classification Process June 2021. Collection method: clinical testing. Allele origin: germline. Affected: yes.
Comment: Not observed at significant frequency in large population cohorts (gnomAD); In silico analysis indicates that this missense variant does not alter protein structure/function; Has not been previously published as pathogenic or benign to our knowledge